The following is an entry in ClinVar:

ClinVar aggregate classification (germline): Uncertain significance (1 of 4 stars; one submission).

Submission:

Labcorp Genetics (formerly Invitae), Labcorp
Classification: Uncertain significance. Last evaluated: 2022-05-26. Review status: criteria provided, single submitter. Criteria: Invitae Variant Classification Sherloc (09022015). Collection method: clinical testing. Allele origin: germline.
Comment: In summary, the available evidence is currently insufficient to determine the role of this variant in disease. Therefore, it has been classified as a Variant of Uncertain Significance. Algorithms developed to predict the effect of missense changes on protein structure and function (SIFT, PolyPhen-2, Align-GVGD) all suggest that this variant is likely to be disruptive. This variant has not been reported in the literature in individuals affected with ARSG-related conditions. This variant is not present in population databases (gnomAD no frequency). This sequence change replaces asparagine, which is neutral and polar, with histidine, which is basic and polar, at codon 303 of the ARSG protein (p.Asn303His).

NM_001267727.2(ARSG):c.907A>C (p.Asn303His)

Gene: ARSG (arylsulfatase G; plus strand). Cytogenetic location: 17q24.2.
Variant type: single nucleotide variant.
Coding change: c.907A>C on transcript NM_001267727.2 (MANE Select); coding-DNA position 907, A replaced by C.
Protein change: p.Asn303His; replaces asparagine 303 with histidine.
Molecular consequence: missense variant.
Genome position (GRCh38, 1-based): chr17:68,370,449, A>C. VCF-style: chr17-68370449-A-C. GRCh37 (hg19) VCF-style: chr17-66366590-A-C.
Other names: c.907A>C, p.Asn303His (NM_001352899.2, NM_001352900.2, NM_001352901.2 and 3 more transcripts); c.904A>C, p.Asn302His (NM_001352903.2, NM_001352904.2, NM_001352905.2 and 2 more transcripts); c.859A>C, p.Asn287His (NM_001352909.2); short protein forms N302H, N303H, N287H.
Identifiers: ClinVar variation 1998406 (VCV001998406.4), dbSNP rs2510901047, ClinGen allele CA400746755.